The following is an entry in ClinVar:

ClinVar aggregate classification (germline): Uncertain significance. Review status: criteria provided, multiple submitters, no conflicts (2 of 4 stars). 3 submissions from 3 submitters: Uncertain significance (3). Last evaluated 2025-07-07.

Conditions:
Inborn genetic diseases. Identifiers: MedGen C0950123, MeSH D030342.

Allele frequency attached by ClinVar (database versions not stated): gnomAD exomes below 0.00001; TOPMed 0.00002; gnomAD 0.00003; ESP Exome Variant Server 0.00008.
gnomAD v4.1: 8 of 1,613,152 alleles (0.0005%); highest among the groups gnomAD compares: African/African-American, 0.0093%; no homozygotes.

Submissions (3):

Labcorp Genetics (formerly Invitae), Labcorp
Classification: Uncertain significance. Last evaluated: 2025-07-07. Review status: criteria provided, single submitter. Criteria: Invitae Variant Classification Sherloc (09022015). Collection method: clinical testing. Allele origin: germline.
Comment: This sequence change replaces alanine, which is neutral and non-polar, with threonine, which is neutral and polar, at codon 531 of the TULP1 protein (p.Ala531Thr). The frequency data for this variant in the population databases is considered unreliable, as metrics indicate poor data quality at this position in the gnomAD database. This missense change has been observed in individual(s) with clinical features of TULP1-related conditions (internal data). In at least one individual the data is consistent with being in trans (on the opposite chromosome) from a pathogenic variant. ClinVar contains an entry for this variant (Variation ID: 969183). Invitae Evidence Modeling of protein sequence and biophysical properties (such as structural, functional, and spatial information, amino acid conservation, physicochemical variation, residue mobility, and thermodynamic stability) has been performed for this missense variant. However, the output from this modeling did not meet the statistical confidence thresholds required to predict the impact of this variant on TULP1 protein function. In summary, the available evidence is currently insufficient to determine the role of this variant in disease. Therefore, it has been classified as a Variant of Uncertain Significance.

Ambry Genetics
Classification: Uncertain significance for Inborn genetic diseases. Last evaluated: 2023-03-23. Review status: criteria provided, single submitter. Criteria: Ambry Variant Classification Scheme 2023. Collection method: clinical testing. Allele origin: germline.

GeneDx
Classification: Uncertain significance. Last evaluated: 2020-02-24. Review status: criteria provided, single submitter. Criteria: GeneDx Variant Classification Process June 2021. Collection method: clinical testing. Allele origin: germline. Affected: yes.
Comment: In silico analysis supports that this missense variant has a deleterious effect on protein structure/function; Has not been previously published as pathogenic or benign to our knowledge

NM_003322.6(TULP1):c.1591G>A (p.Ala531Thr)

Gene: TULP1 (TUB like protein 1; minus strand). Cytogenetic location: 6p21.31.
Variant type: single nucleotide variant.
Coding change: c.1591G>A on transcript NM_003322.6 (MANE Select); coding-DNA position 1591, G replaced by A.
Protein change: p.Ala531Thr; replaces alanine 531 with threonine.
Molecular consequence: missense variant.
Genome position (GRCh38, 1-based): chr6:35,498,365, C>T on the plus strand (G>A on the coding strand, the complement: TULP1 is on the minus strand). VCF-style: chr6-35498365-C-T. GRCh37 (hg19) VCF-style: chr6-35466142-C-T.
Other names: c.1432G>A, p.Ala478Thr (NM_001289395.2); short protein forms A531T, A478T.
Identifiers: ClinVar variation 969183 (VCV000969183.9), dbSNP rs374698671, ClinGen allele CA137276852.